The following is an entry in ClinVar:

ClinVar aggregate classification (germline): Uncertain significance (1 of 4 stars; one submission).

Submission:

GeneDx
Classification: Uncertain significance. Last evaluated: 2023-10-15. Review status: criteria provided, single submitter. Criteria: GeneDx Variant Classification Process June 2021. Collection method: clinical testing. Allele origin: germline. Affected: yes.
Comment: Not observed at significant frequency in large population cohorts (gnomAD); In silico analysis supports that this missense variant does not alter protein structure/function; Has not been previously published as pathogenic or benign to our knowledge

NM_001368397.1(FRMPD4):c.2908G>T (p.Ala970Ser)

Gene: FRMPD4 (FERM and PDZ domain containing 4; plus strand). Cytogenetic location: Xp22.2.
Variant type: single nucleotide variant.
Coding change: c.2908G>T on transcript NM_001368397.1 (MANE Select); coding-DNA position 2908, G replaced by T.
Protein change: p.Ala970Ser; replaces alanine 970 with serine.
Molecular consequence: missense variant.
Genome position (GRCh38, 1-based): chrX:12,717,734, G>T. VCF-style: chrX-12717734-G-T. GRCh37 (hg19) VCF-style: chrX-12735853-G-T.
Other names: c.3019G>T, p.Ala1007Ser (NM_001368395.3, NM_001368398.3); c.2914G>T, p.Ala972Ser (NM_001368396.3); c.2899G>T, p.Ala967Ser (NM_001368399.3); c.2788G>T, p.Ala930Ser (NM_001368400.3); c.2884G>T, p.Ala962Ser (NM_001368401.1, NM_001368402.3); c.2908G>T, p.Ala970Ser (NM_014728.3); short protein forms A1007S, A930S, A962S, A967S, A970S, A972S.
Identifiers: ClinVar variation 1310734 (VCV001310734.3), dbSNP rs1198625258, ClinGen allele CA412316173.